The following is an entry in ClinVar:

ClinVar aggregate classification (germline): Likely benign. Review status: criteria provided, multiple submitters, no conflicts (2 of 4 stars). 2 submissions from 2 submitters: Likely benign (2). Last evaluated 2025-12-22.

Conditions:
Familial cancer of breast. Also called: BREAST CANCER, FAMILIAL; hereditary breast carcinoma; Hereditary breast cancer. Identifiers: Orphanet 227535, MedGen C0346153, MONDO:0016419, OMIM 114480. Disease mechanism: loss of function.
Ataxia-telangiectasia syndrome (AT). Also called: LOUIS-BAR SYNDROME; Cerebello-oculocutaneous telangiectasia; Immunodeficiency with ataxia telangiectasia; AT, COMPLEMENTATION GROUP C; Ataxia-telangiectasia, complementation group D; ATAXIA-TELANGIECTASIA, COMPLEMENTATION GROUP A. Identifiers: Orphanet 100, MedGen C0004135, MONDO:0008840, OMIM 208900.

Submissions (2):

Labcorp Genetics (formerly Invitae), Labcorp
Classification: Likely benign for Ataxia-telangiectasia syndrome. Last evaluated: 2025-12-22. Review status: criteria provided, single submitter. Criteria: Invitae Variant Classification Sherloc (09022015). Collection method: clinical testing. Allele origin: germline.

Myriad Genetics, Inc.
Classification: Likely benign for Familial cancer of breast. Last evaluated: 2024-05-24. Review status: criteria provided, single submitter. Criteria: Myriad Autosomal Dominant, Autosomal Recessive and X-Linked Classification Criteria (2023). Collection method: clinical testing. Allele origin: unknown.
Comment: This variant is considered likely benign. This variant is intronic and is not expected to impact mRNA splicing.

NM_000051.4(ATM):c.5674+9_5674+12del

Gene: ATM (ATM serine/threonine kinase; plus strand). Cytogenetic location: 11q22.3.
Variant type: Deletion.
Coding change: c.5674+9_5674+12del on transcript NM_000051.4 (MANE Select); bases 9 to 12 of the intron after coding-DNA position 5674, 4 bases deleted (TTAA; older notation c.5674+9_5674+12delTTAA).
Molecular consequence: intron variant.
Genome position (GRCh38, 1-based): chr11:108,304,861-108,304,864, TTAA deleted; deleting any 4 consecutive bases within chr11:108,304,860-108,304,864 gives the same sequence; the c. name uses the placement nearest the transcript's 3' end. VCF-style (leftmost placement, unchanged base first): chr11-108304859-TATTA-T. GRCh37 (hg19) VCF-style: chr11-108175586-TATTA-T.
Other names: c.5674+9_5674+12del (NM_001351834.2).
Identifiers: ClinVar variation 3253822 (VCV003253822.3), dbSNP rs2546988685.